The following is an entry in ClinVar:

ClinVar aggregate classification (germline): Likely pathogenic (1 of 4 stars; one submission).

Submission:

Labcorp Genetics (formerly Invitae), Labcorp
Classification: Likely pathogenic. Last evaluated: 2021-11-15. Review status: criteria provided, single submitter. Criteria: Invitae Variant Classification Sherloc (09022015). Collection method: clinical testing. Allele origin: germline.
Comment: In summary, the currently available evidence indicates that the variant is pathogenic, but additional data are needed to prove that conclusively. Therefore, this variant has been classified as Likely Pathogenic. This variant disrupts the p.Gly766 amino acid residue in ABCB11. Other variant(s) that disrupt this residue have been determined to be pathogenic (PMID: 18395098, 21490445). This suggests that this residue is clinically significant, and that variants that disrupt this residue are likely to be disease-causing. A similar copy number variant has been observed in individual(s) with progressive familial intrahepatic cholestasis (PMID: 31160058). This variant is a gross deletion of the genomic region encompassing exon(s) 19 of the ABCB11 gene. This variant would be expected to be in-frame, preserving the integrity of the reading frame.

Literature cited by the submitters: PubMed 18395098; PubMed 21490445; PubMed 31160058.

NC_000002.11:g.(?_169814464)_(169814648_?)del

Gene: ABCB11 (ATP binding cassette subfamily B member 11; minus strand). Cytogenetic location: 2q31.1.
Variant type: Deletion.
Identifiers: ClinVar variation 1067763 (VCV001067763.3).